The following is an entry in ClinVar:

NM_002887.4(RARS1):c.19G>C (p.Glu7Gln)

Gene: RARS1 (arginyl-tRNA synthetase 1; plus strand). Cytogenetic location: 5q34.
Variant type: single nucleotide variant.
Coding change: c.19G>C on transcript NM_002887.4 (MANE Select); coding-DNA position 19, G replaced by C.
Protein change: p.Glu7Gln; replaces glutamic acid 7 with glutamine.
Molecular consequence: missense variant.
Genome position (GRCh38, 1-based): chr5:168,486,517, G>C. VCF-style: chr5-168486517-G-C. GRCh37 (hg19) VCF-style: chr5-167913522-G-C.
Other names: short protein forms E7Q.
Identifiers: ClinVar variation 1704747 (VCV001704747.3), dbSNP rs114006453, ClinGen allele CA3549477.

ClinVar aggregate classification (germline): Uncertain significance (1 of 4 stars; one submission).

Allele frequency attached by ClinVar (database versions not stated): gnomAD 0.00032; TOPMed 0.00032; ExAC 0.00045; ESP Exome Variant Server 0.00055; 1000 Genomes Project 0.00060; 1000 Genomes Project 30x 0.00078.
gnomAD v4.1: 88 of 1,559,274 alleles (0.0056%); highest among the groups gnomAD compares: African/African-American, 0.11%; no homozygotes.

Submission:

GeneDx
Classification: Uncertain significance. Last evaluated: 2023-10-26. Review status: criteria provided, single submitter. Criteria: GeneDx Variant Classification Process June 2021. Collection method: clinical testing. Allele origin: germline. Affected: yes.
Comment: In silico analysis supports that this missense variant does not alter protein structure/function; Has not been previously published as pathogenic or benign to our knowledge